The following is an entry in ClinVar:

ClinVar aggregate classification (germline): Uncertain significance (0 of 4 stars; one submission).

Conditions:
GPAA1-related disorder. Also called: GPAA1-related condition.

Submission:

PreventionGenetics, part of Exact Sciences
Classification: Uncertain significance for GPAA1-related condition. Last evaluated: 2023-12-22. Review status: no assertion criteria provided. Collection method: clinical testing. Allele origin: germline.
Comment: The GPAA1 c.619A>G variant is predicted to result in the amino acid substitution p.Met207Val. To our knowledge, this variant has not been reported in the literature or in a large population database, indicating this variant is rare. At this time, the clinical significance of this variant is uncertain due to the absence of conclusive functional and genetic evidence.

NM_003801.4(GPAA1):c.619A>G (p.Met207Val)

Gene: GPAA1 (glycosylphosphatidylinositol anchor attachment 1; plus strand). Cytogenetic location: 8q24.3.
Variant type: single nucleotide variant.
Coding change: c.619A>G on transcript NM_003801.4 (MANE Select); coding-DNA position 619, A replaced by G.
Protein change: p.Met207Val; replaces methionine 207 with valine.
Molecular consequence: missense variant.
Genome position (GRCh38, 1-based): chr8:144,084,136, A>G. VCF-style: chr8-144084136-A-G. GRCh37 (hg19) VCF-style: chr8-145139039-A-G.
Other names: short protein forms M207V.
Identifiers: ClinVar variation 3049554 (VCV003049554.2), dbSNP rs2537315720, ClinGen allele CA372599978.
Genomic context (GRCh38, chr8:144,084,136, plus strand): 5'-CTCAGGGTCACTGTCCTCACCACGTCCTCCATTAGCACTCATTCACTTGCTCCTACAGGC[A>G]TGCAGTCGTCTCCCCTGCAGGGCCGAGCTGGGGCCATTCAGGCAGCCGTGGCCCTGGAGC-3'
Protein context (NP_003792.1, residues 197-217): EAYHDVNVTG[Met207Val]QSSPLQGRAG